The following is an entry in ClinVar:

ClinVar aggregate classification (germline): Likely benign (1 of 4 stars; one submission).

Submission:

CeGaT Center for Human Genetics Tuebingen
Classification: Likely benign. Last evaluated: 2023-05-01. Review status: criteria provided, single submitter. Criteria: CeGaT Center For Human Genetics Tuebingen Variant Classification Criteria Version 2. Collection method: clinical testing. Allele origin: germline. Affected: yes. Observed: 1 variant allele.
Comment: TTN: PM2:Supporting, BP4, BP7

NM_001267550.2(TTN):c.21555C>T (p.Ile7185=)

Gene: TTN (titin; minus strand). Cytogenetic location: 2q31.2.
Variant type: single nucleotide variant.
Coding change: c.21555C>T on transcript NM_001267550.2 (MANE Select); coding-DNA position 21555, C replaced by T.
Protein change: p.Ile7185=; no amino-acid change (isoleucine 7185 retained).
Molecular consequence: synonymous variant. On other transcripts: intron variant (3).
Genome position (GRCh38, 1-based): chr2:178,723,545, G>A on the plus strand (C>T on the coding strand, the complement: TTN is on the minus strand). VCF-style: chr2-178723545-G-A. GRCh37 (hg19) VCF-style: chr2-179588272-G-A.
Other names: c.20604C>T, p.Ile6868= (NM_001256850.1); c.17823C>T, p.Ile5941= (NM_133378.4); c.13282+14537C>T (NM_003319.4); c.13858+14537C>T (NM_133437.4); c.13657+14537C>T (NM_133432.3).
Identifiers: ClinVar variation 2571109 (VCV002571109.27), dbSNP rs201155967, ClinGen allele CA430288165.